The following is an entry in ClinVar:

NM_001378615.1(CC2D2A):c.3040_3041delinsGG (p.Leu1014Gly)

Genes: CC2D2A (coiled-coil and C2 domain containing 2A; plus strand), FBXL5 (F-box and leucine rich repeat protein 5; minus strand). Cytogenetic location: 4p15.32.
Variant type: Indel.
Coding change: c.3040_3041delinsGG on transcript NM_001378615.1 (MANE Select); coding-DNA positions 3040 to 3041, CT replaced by GG.
Protein change: p.Leu1014Gly; replaces leucine 1014 with glycine.
Molecular consequence: missense variant.
Genome position (GRCh38, 1-based): chr4:15,563,380-15,563,381, CT replaced by GG. VCF-style: chr4-15563380-CT-GG. GRCh37 (hg19) VCF-style: chr4-15565003-CT-GG.
Other names: c.3040_3041delinsGG, p.Leu1014Gly (NM_001080522.2); c.2893_2894delinsGG, p.Leu965Gly (NM_001378617.1); short protein forms L1014G, L965G.
Identifiers: ClinVar variation 1380947 (VCV001380947.5), dbSNP rs2109065185, ClinGen allele CA2573137615.

ClinVar aggregate classification (germline): Uncertain significance (1 of 4 stars; one submission).

Conditions:
Joubert syndrome. Also called: JOUBERT-BOLTSHAUSER SYNDROME; Familial aplasia of the vermis. Identifiers: Orphanet 475, MedGen C5979921, MONDO:0018772.
Meckel-Gruber syndrome. Also called: DYSENCEPHALIA SPLANCHNOCYSTICA; GRUBER SYNDROME; Dysencephalia splachnocystica. Identifiers: Orphanet 564, MedGen C0265215, MONDO:0018921.

Submission:

Labcorp Genetics (formerly Invitae), Labcorp
Classification: Uncertain significance for Joubert syndrome; Meckel-Gruber syndrome. Last evaluated: 2022-09-27. Review status: criteria provided, single submitter. Criteria: Invitae Variant Classification Sherloc (09022015). Collection method: clinical testing. Allele origin: germline.
Comment: This sequence change replaces leucine, which is neutral and non-polar, with glycine, which is neutral and non-polar, at codon 1014 of the CC2D2A protein (p.Leu1014Gly). Information on the frequency of this variant in the gnomAD database is not available, as this variant may be reported differently in the database. This variant has not been reported in the literature in individuals affected with CC2D2A-related conditions. ClinVar contains an entry for this variant (Variation ID: 1380947). Algorithms developed to predict the effect of missense changes on protein structure and function are either unavailable or do not agree on the potential impact of this missense change (SIFT: "Not Available"; PolyPhen-2: "Probably Damaging"; Align-GVGD: "Not Available"). In summary, the available evidence is currently insufficient to determine the role of this variant in disease. Therefore, it has been classified as a Variant of Uncertain Significance.